The following is an entry in ClinVar:

ClinVar aggregate classification (germline): Likely benign. Review status: criteria provided, multiple submitters, no conflicts (2 of 4 stars). 2 submissions from 2 submitters: Likely benign (2). Last evaluated 2024-10-24.

Conditions:
Pyridoxine-dependent epilepsy (EPEO4). Also called: Pyridoxine-Dependent Epilepsy - ALDH7A1; EPILEPSY, EARLY-ONSET, 4, VITAMIN B6-DEPENDENT; Pyridoxine-Dependent Seizures; PYRIDOXINE DEPENDENCY WITH SEIZURES. Identifiers: Orphanet 3006, MedGen C1849508, MONDO:0009945, OMIM 266100. Disease mechanism: loss of function.

Allele frequency attached by ClinVar (database versions not stated): TOPMed 0.00001; gnomAD 0.00001.

Submissions (2):

Labcorp Genetics (formerly Invitae), Labcorp
Classification: Likely benign for Pyridoxine-dependent epilepsy. Last evaluated: 2024-10-24. Review status: criteria provided, single submitter. Criteria: Invitae Variant Classification Sherloc (09022015). Collection method: clinical testing. Allele origin: germline.

GeneDx
Classification: Likely benign. Last evaluated: 2016-07-08. Review status: criteria provided, single submitter. Criteria: GeneDx Variant Classification (06012015). Collection method: clinical testing. Allele origin: germline. Affected: yes.
Comment: This variant is considered likely benign or benign based on one or more of the following criteria: it is a conservative change, it occurs at a poorly conserved position in the protein, it is predicted to be benign by multiple in silico algorithms, and/or has population frequency not consistent with disease.

NM_001182.5(ALDH7A1):c.393+12T>C

Gene: ALDH7A1 (aldehyde dehydrogenase 7 family member A1; minus strand). Cytogenetic location: 5q23.2.
Variant type: single nucleotide variant.
Coding change: c.393+12T>C on transcript NM_001182.5 (MANE Select); 12 bases into the intron after coding-DNA position 393, T replaced by C.
Molecular consequence: intron variant.
Genome position (GRCh38, 1-based): chr5:126,583,920, A>G on the plus strand (T>C on the coding strand, the complement: ALDH7A1 is on the minus strand). VCF-style: chr5-126583920-A-G. GRCh37 (hg19) VCF-style: chr5-125919612-A-G.
Other names: c.393+12T>C (NM_001202404.2); c.309+12T>C (NM_001201377.2).
Identifiers: ClinVar variation 387541 (VCV000387541.4), dbSNP rs1057522818, ClinGen allele CA16604813.